The following is an entry in ClinVar:

NM_000350.3(ABCA4):c.4853G>A (p.Trp1618Ter)

Genes: ABCA4 (ATP binding cassette subfamily A member 4; minus strand), LOC126805793 (CDK7 strongly-dependent group 2 enhancer GRCh37_chr1:94486302-94487501; plus strand). Cytogenetic location: 1p22.1.
Variant type: single nucleotide variant.
Coding change: c.4853G>A on transcript NM_000350.3 (MANE Select); coding-DNA position 4853, G replaced by A.
Protein change: p.Trp1618Ter; replaces tryptophan 1618 with a stop codon.
Molecular consequence: nonsense.
Genome position (GRCh38, 1-based): chr1:94,021,405, C>T on the plus strand (G>A on the coding strand, the complement: ABCA4 is on the minus strand). VCF-style: chr1-94021405-C-T. GRCh37 (hg19) VCF-style: chr1-94486961-C-T.
Other names: NM_000350.3:c.4853G>A; c.4631G>A, p.Trp1544Ter (NM_001425324.1); short protein forms W1544*, W1618*.
Identifiers: ClinVar variation 4538554 (VCV004538554.1).

ClinVar aggregate classification (germline): Pathogenic (3 of 4 stars; one submission).

Conditions:
ABCA4-related retinopathy. Also called: ABCA4-related retinoapthy; ABCA4 retinoapthy. Identifiers: MedGen CN322612, MONDO:0800406.

Submission:

ClinGen ABCA4 Variant Curation Expert Panel, Clingen
Classification: Pathogenic for ABCA4-related retinopathy. Last evaluated: 2025-12-05. Review status: reviewed by expert panel. Criteria: ClinGen ABCA4 ACMG Specifications V1.0.0. Collection method: curation. Allele origin: germline. Inheritance: Autosomal recessive inheritance.
Comment: The NM_000350.3:c.4853G>A; p.Trp1618Ter variant in ABC4A is a nonsense variant predicted to cause a premature stop codon in biologically relevant exon 35/50 leading to nonsense mediated decay in a gene in which loss-of-function is an established disease mechanism (PVS1). This variant is absent from gnomAD v4.1.0 (PM2_Supporting). This variant was reported in individuals with ABCA4-related retinopathy (PMID: 31543898, 33301772). The prevalence of the variant in affected individuals is significantly increased compared with the prevalence in controls with an odds ratio at infinity and the confidence interval is from 2.24 to infinity, which is above the ABCA4 VCEP threshold of >5, where the CI does not contain 1 (PS4; PMID: 35120629). In summary, this variant meets the criteria to be classified as pathogenic for ABCA4-related retinopathy based on the ACMG/AMP criteria applied, as specified by the ClinGen ABCA4 VCEP (Specification Version 1.0): PVS1, PS4, PM2_Supporting.